The following is an entry in ClinVar:

ClinVar aggregate classification (germline): Uncertain significance. Review status: criteria provided, multiple submitters, no conflicts (2 of 4 stars). 2 submissions from 2 submitters: Uncertain significance (2). Last evaluated 2025-08-13.

Conditions:
Intellectual developmental disorder, autosomal recessive 43. Also called: Intellectual disability, autosomal recessive 43. Identifiers: Orphanet 88616, MedGen C4014386, MONDO:0014354, OMIM 615817.

Allele frequency attached by ClinVar (database versions not stated): gnomAD exomes 0.00002 and 0.00001; gnomAD 0.00011 and 0.00009; ExAC 0.00002; ESP Exome Variant Server 0.00009; TOPMed 0.00008.
gnomAD v4.1: 22 of 1,610,758 alleles (0.0014%); highest among the groups gnomAD compares: African/African-American, 0.029%; no homozygotes.

Submissions (2):

Ambry Genetics
Classification: Uncertain significance. Last evaluated: 2025-08-13. Review status: criteria provided, single submitter. Criteria: Ambry Variant Classification Scheme 2023. Collection method: clinical testing. Allele origin: germline.

New York Genome Center
Classification: Uncertain significance for Intellectual developmental disorder, autosomal recessive 43. Last evaluated: 2020-06-19. Review status: criteria provided, single submitter. Criteria: NYGC Assertion Criteria 2020. Collection method: clinical testing. Allele origin: inherited. Observed: 1 compound heterozygote. Study: CSER-NYCKidSeq.
Comment: The inherited c.154T>G (p.Ser52Ala) variant identified in the WASHC4 gene substitutes a moderately conserved Serine for Alanine at amino acid 52/1174 (coding exon 2/33). This variant is found with low frequency in gnomAD (v3.0) (16 heterozygotes, 0 homozygotes; allele frequency: 1.1e-4) suggesting it is not a common benign variant in the populations represented in that database. In silico algorithms predict this variant to be Neutral (Provean; score:-0.39) and Tolerated (SIFT; score: 0.445) to the function of the canonical transcript. This variant is absent from ClinVar and to our current knowledge has not been reported in affected individuals in the literature. The p.Ser52 residue is not within a mapped domain of WASHC4 (UniProtKB:Q2M389). Given the lack of compelling evidence for its pathogenicity, the inherited c.154T>G (p.Ser52Ala) variant identified in the WASHC4 gene is reported here as a Variant of UncertainSignificance.

NM_015275.3(WASHC4):c.154T>G (p.Ser52Ala)

Gene: WASHC4 (WASH complex subunit 4; plus strand). Cytogenetic location: 12q23.3.
Variant type: single nucleotide variant.
Coding change: c.154T>G on transcript NM_015275.3 (MANE Select); coding-DNA position 154, T replaced by G.
Protein change: p.Ser52Ala; replaces serine 52 with alanine.
Molecular consequence: missense variant.
Genome position (GRCh38, 1-based): chr12:105,111,217, T>G. VCF-style: chr12-105111217-T-G. GRCh37 (hg19) VCF-style: chr12-105504995-T-G.
Other names: c.154T>G (NM_015275.1); c.154T>G, p.Ser52Ala (NM_001293640.2); short protein forms S52A.
Identifiers: ClinVar variation 1098606 (VCV001098606.2), dbSNP rs376604258, ClinGen allele CA6758216.